The following is an entry in ClinVar:

NM_000642.3(AGL):c.3701-5T>G

Gene: AGL (amylo-alpha-1,6-glucosidase and 4-alpha-glucanotransferase; plus strand). Cytogenetic location: 1p21.2.
Variant type: single nucleotide variant.
Coding change: c.3701-5T>G on transcript NM_000642.3 (MANE Select); 5 bases into the intron before coding-DNA position 3701, T replaced by G.
Molecular consequence: intron variant.
Genome position (GRCh38, 1-based): chr1:99,910,707, T>G. VCF-style: chr1-99910707-T-G. GRCh37 (hg19) VCF-style: chr1-100376263-T-G.
Other names: c.3701-5T>G (NM_000643.3, NM_000644.3, NM_001425325.1 and 1 more transcripts); c.3653-5T>G (NM_000646.3); c.3680-5T>G (NM_001425326.1); c.3500-5T>G (NM_001425327.1); c.3497-5T>G (NM_001425328.1); c.3362-5T>G (NM_001425329.1); c.3323-5T>G (NM_001425332.1).
Identifiers: ClinVar variation 389361 (VCV000389361.6), dbSNP rs1057523410, ClinGen allele CA16603722.
Genomic context (GRCh38, chr1:99,910,707, plus strand): 5'-AAATATTTGTATATACTATATATAATACTTATAAAATTTTATTTTATACACATTTTGTTT[T>G]TTAGGTTTTAATATAACTGCAGGAGTTGATGAAGAAACAGGATTTGTTTATGGAGGAAAT-3'

ClinVar aggregate classification (germline): Likely benign. Review status: criteria provided, multiple submitters, no conflicts (2 of 4 stars). 3 submissions from 3 submitters: Likely benign (3). Last evaluated 2023-11-15.

Conditions:
Glycogen storage disease type III (GSD3). Also called: FORBES DISEASE; Cori disease. Identifiers: Orphanet 366, MedGen C0017922, MONDO:0009291, OMIM 232400.

Allele frequency attached by ClinVar (database versions not stated): TOPMed below 0.00001.
gnomAD v4.1: 1 of 1,576,200 alleles (0.000063%); no homozygotes.

Submissions (3):

Labcorp Genetics (formerly Invitae), Labcorp
Classification: Likely benign for Glycogen storage disease type III. Last evaluated: 2023-11-15. Review status: criteria provided, single submitter. Criteria: Invitae Variant Classification Sherloc (09022015). Collection method: clinical testing. Allele origin: germline.

Genome-Nilou Lab
Classification: Likely benign for Glycogen storage disease type III. Last evaluated: 2023-04-11. Review status: criteria provided, single submitter. Criteria: ACMG Guidelines, 2015. Collection method: clinical testing. Allele origin: germline. Affected: no.

GeneDx
Classification: Likely benign. Last evaluated: 2016-09-29. Review status: criteria provided, single submitter. Criteria: GeneDx Variant Classification (06012015). Collection method: clinical testing. Allele origin: germline. Affected: yes.
Comment: This variant is considered likely benign or benign based on one or more of the following criteria: it is a conservative change, it occurs at a poorly conserved position in the protein, it is predicted to be benign by multiple in silico algorithms, and/or has population frequency not consistent with disease.